The following is an entry in ClinVar:

ClinVar aggregate classification (germline): Uncertain significance (1 of 4 stars; one submission).

Conditions:
Neuropathy, hereditary sensory and autonomic, type 1C. Also called: HSAN IC; HSN IC. Identifiers: Orphanet 36386, MedGen C3150896, MONDO:0013337, OMIM 613640.

Submission:

Labcorp Genetics (formerly Invitae), Labcorp
Classification: Uncertain significance for Neuropathy, hereditary sensory and autonomic, type 1C. Last evaluated: 2022-04-25. Review status: criteria provided, single submitter. Criteria: Invitae Variant Classification Sherloc (09022015). Collection method: clinical testing. Allele origin: germline.
Comment: ClinVar contains an entry for this variant (Variation ID: 858806). This variant has not been reported in the literature in individuals affected with SPTLC2-related conditions. This variant is not present in population databases (gnomAD no frequency). This sequence change replaces isoleucine, which is neutral and non-polar, with valine, which is neutral and non-polar, at codon 312 of the SPTLC2 protein (p.Ile312Val). Algorithms developed to predict the effect of missense changes on protein structure and function are either unavailable or do not agree on the potential impact of this missense change (SIFT: "Deleterious"; PolyPhen-2: "Possibly Damaging"; Align-GVGD: "Class C0"). In summary, the available evidence is currently insufficient to determine the role of this variant in disease. Therefore, it has been classified as a Variant of Uncertain Significance.

NM_004863.4(SPTLC2):c.934A>G (p.Ile312Val)

Gene: SPTLC2 (serine palmitoyltransferase long chain base subunit 2; minus strand). Cytogenetic location: 14q24.3.
Variant type: single nucleotide variant.
Coding change: c.934A>G on transcript NM_004863.4 (MANE Select); coding-DNA position 934, A replaced by G.
Protein change: p.Ile312Val; replaces isoleucine 312 with valine.
Molecular consequence: missense variant.
Genome position (GRCh38, 1-based): chr14:77,557,063, T>C on the plus strand (A>G on the coding strand, the complement: SPTLC2 is on the minus strand). VCF-style: chr14-77557063-T-C. GRCh37 (hg19) VCF-style: chr14-78023406-T-C.
Other names: short protein forms I312V.
Identifiers: ClinVar variation 858806 (VCV000858806.9), dbSNP rs2079588117, ClinGen allele CA390709716.